The following is an entry in ClinVar:

NM_000352.6(ABCC8):c.2332C>A (p.Leu778Met)

Genes: ABCC8 (ATP binding cassette subfamily C member 8; minus strand), LOC110121471 (VISTA enhancer hs1977; plus strand). Cytogenetic location: 11p15.1.
Variant type: single nucleotide variant.
Coding change: c.2332C>A on transcript NM_000352.6 (MANE Select); coding-DNA position 2332, C replaced by A.
Protein change: p.Leu778Met; replaces leucine 778 with methionine.
Molecular consequence: missense variant. On other transcripts: non-coding transcript variant (1).
Genome position (GRCh38, 1-based): chr11:17,414,570, G>T on the plus strand (C>A on the coding strand, the complement: ABCC8 is on the minus strand). VCF-style: chr11-17414570-G-T. GRCh37 (hg19) VCF-style: chr11-17436117-G-T.
Other names: c.2335C>A, p.Leu779Met (NM_001287174.3); c.2398C>A, p.Leu800Met (NM_001351295.2); c.2332C>A, p.Leu778Met (NM_001351296.2); c.2329C>A, p.Leu777Met (NM_001351297.2); short protein forms L777M, L778M, L779M, L800M.
Identifiers: ClinVar variation 3252445 (VCV003252445.1), dbSNP rs1299193955.

ClinVar aggregate classification (germline): Uncertain significance (1 of 4 stars; one submission).

Allele frequency attached by ClinVar (database versions not stated): gnomAD exomes below 0.00001.
gnomAD v4.1: 2 of 1,614,244 alleles (0.00012%); highest among the groups gnomAD compares: Admixed American, 0.0017%; no homozygotes.

Submission:

GeneDx
Classification: Uncertain significance. Last evaluated: 2023-08-14. Review status: criteria provided, single submitter. Criteria: GeneDx Variant Classification Process June 2021. Collection method: clinical testing. Allele origin: germline. Affected: yes.
Comment: In silico analysis supports that this missense variant does not alter protein structure/function; Has not been previously published as pathogenic or benign to our knowledge